The following is an entry in ClinVar:

NM_005654.6(NR2F1):c.1204C>G (p.Leu402Val)

Gene: NR2F1 (nuclear receptor subfamily 2 group F member 1; plus strand). Cytogenetic location: 5q15.
Variant type: single nucleotide variant.
Coding change: c.1204C>G on transcript NM_005654.6 (MANE Select); coding-DNA position 1204, C replaced by G.
Protein change: p.Leu402Val; replaces leucine 402 with valine.
Molecular consequence: missense variant.
Genome position (GRCh38, 1-based): chr5:93,593,774, C>G. VCF-style: chr5-93593774-C-G. GRCh37 (hg19) VCF-style: chr5-92929480-C-G.
Other names: c.754C>G, p.Leu252Val (NM_001410754.1); short protein forms L252V, L402V.
Identifiers: ClinVar variation 3363980 (VCV003363980.1).

ClinVar aggregate classification (germline): Uncertain significance (1 of 4 stars; one submission).

Submission:

GeneDx
Classification: Uncertain significance. Last evaluated: 2023-11-03. Review status: criteria provided, single submitter. Criteria: GeneDx Variant Classification Process June 2021. Collection method: clinical testing. Allele origin: germline. Affected: yes.
Comment: Not observed at significant frequency in large population cohorts (gnomAD); In silico analysis supports that this missense variant does not alter protein structure/function; Has not been previously published as pathogenic or benign to our knowledge